The following is an entry in ClinVar:

ClinVar aggregate classification (germline): Pathogenic (1 of 4 stars; one submission).

Submission:

Labcorp Genetics (formerly Invitae), Labcorp
Classification: Pathogenic. Last evaluated: 2025-09-24. Review status: criteria provided, single submitter. Criteria: Invitae Variant Classification Sherloc (09022015). Collection method: clinical testing. Allele origin: germline.
Comment: This sequence change creates a premature translational stop signal (p.Thr321Serfs*10) in the DFNB59 gene. While this is not anticipated to result in nonsense mediated decay, it is expected to disrupt the last 32 amino acid(s) of the DFNB59 protein. This variant is not present in population databases (gnomAD no frequency). This variant has not been reported in the literature in individuals affected with DFNB59-related conditions. This variant disrupts a region of the DFNB59 protein in which other variant(s) (p.Cys343Se) have been determined to be pathogenic (PMID: 22617256, 35052489). This suggests that this is a clinically significant region of the protein, and that variants that disrupt it are likely to be disease-causing. For these reasons, this variant has been classified as Pathogenic.

Literature cited by the submitters: PubMed 22617256; PubMed 35052489.

NM_001042702.5(PJVK):c.962_963del (p.Thr321fs)

Gene: PJVK (pejvakin; plus strand). Cytogenetic location: 2q31.2.
Variant type: Deletion.
Coding change: c.962_963del on transcript NM_001042702.5 (MANE Select); coding-DNA positions 962 to 963, 2 bases deleted (CA; older notation c.962_963delCA).
Protein change: p.Thr321fs; shifts the reading frame from threonine 321.
Molecular consequence: frameshift variant.
Genome position (GRCh38, 1-based): chr2:178,461,177-178,461,178, CA deleted; deleting any 2 consecutive bases within chr2:178,461,176-178,461,178 gives the same sequence; the c. name uses the placement nearest the transcript's 3' end. VCF-style (leftmost placement, unchanged base first): chr2-178461175-GAC-G. GRCh37 (hg19) VCF-style: chr2-179325902-GAC-G.
Other names: c.971_972del, p.Thr324fs (NM_001353775.2); c.968_969del, p.Thr323fs (NM_001353776.2); c.485_486del, p.Thr162fs (NM_001353777.1, NM_001353778.2); c.962_963del, p.Thr321fs (NM_001369912.1); short protein forms T321fs, T323fs, T162fs, T324fs.
Identifiers: ClinVar variation 4727826 (VCV004727826.1).